The following is an entry in ClinVar:

ClinVar aggregate classification (germline): Uncertain significance (1 of 4 stars; one submission).

Conditions:
Pyridoxine-dependent epilepsy (EPEO4). Also called: PYRIDOXINE DEPENDENCY WITH SEIZURES; Pyridoxine-Dependent Epilepsy - ALDH7A1; EPILEPSY, EARLY-ONSET, 4, VITAMIN B6-DEPENDENT; Pyridoxine-Dependent Seizures. Identifiers: Orphanet 3006, MedGen C1849508, MONDO:0009945, OMIM 266100. Disease mechanism: loss of function.

Allele frequency attached by ClinVar (database versions not stated): gnomAD exomes below 0.00001; TOPMed below 0.00001; gnomAD 0.00001.

Submission:

Labcorp Genetics (formerly Invitae), Labcorp
Classification: Uncertain significance for Pyridoxine-dependent epilepsy. Last evaluated: 2021-08-30. Review status: criteria provided, single submitter. Criteria: Invitae Variant Classification Sherloc (09022015). Collection method: clinical testing. Allele origin: germline.
Comment: This sequence change replaces methionine with threonine at codon 380 of the ALDH7A1 protein (p.Met380Thr). The methionine residue is moderately conserved and there is a moderate physicochemical difference between methionine and threonine. This variant is not present in population databases (ExAC no frequency). This variant has not been reported in the literature in individuals affected with ALDH7A1-related conditions. Algorithms developed to predict the effect of missense changes on protein structure and function (SIFT, PolyPhen-2, Align-GVGD) all suggest that this variant is likely to be tolerated. In summary, the available evidence is currently insufficient to determine the role of this variant in disease. Therefore, it has been classified as a Variant of Uncertain Significance.

NM_001182.5(ALDH7A1):c.1139T>C (p.Met380Thr)

Gene: ALDH7A1 (aldehyde dehydrogenase 7 family member A1; minus strand). Cytogenetic location: 5q23.2.
Variant type: single nucleotide variant.
Coding change: c.1139T>C on transcript NM_001182.5 (MANE Select); coding-DNA position 1139, T replaced by C.
Protein change: p.Met380Thr; replaces methionine 380 with threonine.
Molecular consequence: missense variant. On other transcripts: intron variant (1).
Genome position (GRCh38, 1-based): chr5:126,554,348, A>G on the plus strand (T>C on the coding strand, the complement: ALDH7A1 is on the minus strand). VCF-style: chr5-126554348-A-G. GRCh37 (hg19) VCF-style: chr5-125890040-A-G.
Other names: c.1055T>C, p.Met352Thr (NM_001201377.2); c.1009-2211T>C (NM_001202404.2); short protein forms M352T, M380T.
Identifiers: ClinVar variation 942672 (VCV000942672.7), dbSNP rs1342849296, ClinGen allele CA360723865.